The following is an entry in ClinVar:

NM_020832.3(ZNF687):c.2791G>C (p.Val931Leu)

Gene: ZNF687 (zinc finger protein 687; plus strand). Cytogenetic location: 1q21.3.
Variant type: single nucleotide variant.
Coding change: c.2791G>C on transcript NM_020832.3 (MANE Select); coding-DNA position 2791, G replaced by C.
Protein change: p.Val931Leu; replaces valine 931 with leucine.
Molecular consequence: missense variant.
Genome position (GRCh38, 1-based): chr1:151,289,834, G>C. VCF-style: chr1-151289834-G-C. GRCh37 (hg19) VCF-style: chr1-151262310-G-C.
Other names: c.2791G>C, p.Val931Leu (NM_001304763.2, NM_001304764.2); short protein forms V931L.
Identifiers: ClinVar variation 2297838 (VCV002297838.3), dbSNP rs1034532622, ClinGen allele CA29521301.

ClinVar aggregate classification (germline): Conflicting classifications of pathogenicity. Review status: criteria provided, conflicting classifications (1 of 4 stars). 2 submissions from 2 submitters: Uncertain significance (1); Likely benign (1). Last evaluated 2025-03-30.

Allele frequency attached by ClinVar (database versions not stated): gnomAD exomes below 0.00001; gnomAD 0.00002; TOPMed 0.00003.

Submissions (2):

Labcorp Genetics (formerly Invitae), Labcorp
Classification: Uncertain significance. Last evaluated: 2025-03-30. Review status: criteria provided, single submitter. Criteria: Invitae Variant Classification Sherloc (09022015). Collection method: clinical testing. Allele origin: germline.
Comment: This sequence change replaces valine, which is neutral and non-polar, with leucine, which is neutral and non-polar, at codon 931 of the ZNF687 protein (p.Val931Leu). This variant is not present in population databases (gnomAD no frequency). This variant has not been reported in the literature in individuals affected with ZNF687-related conditions. ClinVar contains an entry for this variant (Variation ID: 2297838). An algorithm developed to predict the effect of missense changes on protein structure and function outputs the following: PolyPhen-2: "Benign". The leucine amino acid residue is found in multiple mammalian species, which suggests that this missense change does not adversely affect protein function. In summary, the available evidence is currently insufficient to determine the role of this variant in disease. Therefore, it has been classified as a Variant of Uncertain Significance.

Ambry Genetics
Classification: Likely benign. Last evaluated: 2022-06-27. Review status: criteria provided, single submitter. Criteria: Ambry Variant Classification Scheme 2023. Collection method: clinical testing. Allele origin: germline.